The following is an entry in ClinVar:

ClinVar aggregate classification (germline): Likely benign. Review status: criteria provided, multiple submitters, no conflicts (2 of 4 stars). 5 submissions from 5 submitters: Likely benign (4). 1 of the submissions does not count toward it. Last evaluated 2024-05-06.

Conditions:
Hereditary cancer-predisposing syndrome. Also called: Tumor predisposition; Neoplastic Syndromes, Hereditary; Hereditary Cancer Syndrome; Hereditary neoplastic syndrome. Identifiers: Orphanet 140162, MedGen C0027672, MeSH D009386, MONDO:0015356.
Hereditary breast ovarian cancer syndrome. Also called: Hereditary breast and ovarian cancer; Hereditary breast and ovarian cancer syndrome (HBOC); Hereditary breast and/or ovarian cancer syndrome; Hereditary breast and ovarian cancer syndrome; Breast and ovarian cancer; BRCA1- and BRCA2-Associated Hereditary Breast and Ovarian Cancer. Identifiers: Orphanet 145, MedGen C0677776, MeSH D061325, MONDO:0003582. Disease mechanism: loss of function.
Breast-ovarian cancer, familial, susceptibility to, 2 (BROVCA2). Also called: BRCA2 Hereditary Breast and Ovarian Cancer. Identifiers: Orphanet 145, MedGen C2675520, MONDO:0012933, OMIM 612555. Disease mechanism: loss of function.

Allele frequency attached by ClinVar (database versions not stated): gnomAD exomes below 0.00001.
gnomAD v4.1: 1 of 1,614,104 alleles (0.000062%); highest among the groups gnomAD compares: Middle Eastern, 0.017%; no homozygotes.

Submissions (5):

Labcorp Genetics (formerly Invitae), Labcorp
Classification: Likely benign for Hereditary breast ovarian cancer syndrome. Last evaluated: 2024-05-06. Review status: criteria provided, single submitter. Criteria: Invitae Variant Classification Sherloc (09022015). Collection method: clinical testing. Allele origin: germline.

All of Us Research Program, National Institutes of Health
Classification: Likely benign for Breast-ovarian cancer, familial, susceptibility to, 2. Last evaluated: 2023-08-15. Review status: criteria provided, single submitter. Criteria: ACMG Guidelines, 2015. Collection method: clinical testing. Allele origin: germline. Inheritance: Autosomal dominant inheritance. Observed: 2 variant alleles, 2 heterozygotes.
Comment: This study involves interpretation of variants in research participants for the purpose of population health screening. Participant phenotype was not available at the time of variant classification. Additional details can be found in publication PMID: 35346344, PMCID: PMC8962531

Color Diagnostics, LLC DBA Color Health
Classification: Likely benign for Hereditary cancer-predisposing syndrome. Last evaluated: 2018-09-25. Review status: criteria provided, single submitter. Criteria: ACMG Guidelines, 2015. Collection method: clinical testing. Allele origin: germline.

Ambry Genetics
Classification: Likely benign for Hereditary cancer-predisposing syndrome. Last evaluated: 2015-05-10. Review status: criteria provided, single submitter. Criteria: Ambry Variant Classification Scheme 2023. Collection method: clinical testing. Allele origin: germline.

BRCAlab, Lund University
Classification: Likely benign for Breast-ovarian cancer, familial, susceptibility to, 2. Last evaluated: 2020-03-02. Review status: no assertion criteria provided. Collection method: clinical testing. Allele origin: germline. Affected: yes. Not counted in ClinVar's aggregate classification.

NM_000059.4(BRCA2):c.9615T>C (p.Ala3205=)

Gene: BRCA2 (BRCA2 DNA repair associated; plus strand). Cytogenetic location: 13q13.1.
Variant type: single nucleotide variant.
Coding change: c.9615T>C on transcript NM_000059.4 (MANE Select); coding-DNA position 9615, T replaced by C.
Protein change: p.Ala3205=; no amino-acid change (alanine 3205 retained).
Molecular consequence: synonymous variant.
Genome position (GRCh38, 1-based): chr13:32,397,011, T>C. VCF-style: chr13-32397011-T-C. GRCh37 (hg19) VCF-style: chr13-32971148-T-C.
Identifiers: ClinVar variation 629259 (VCV000629259.17), dbSNP rs1566260234, ClinGen allele CA483271937.